The following is an entry in ClinVar:

ClinVar aggregate classification (germline): Uncertain significance (1 of 4 stars; one submission).

Conditions:
Hereditary spastic paraplegia 11. Also called: Nakamura Osame syndrome; Autosomal recessive hereditary spastic paraplegia, mental impairment, and thin corpus callosum; Spastic paraplegia, mental retardation and thin corpus callosum; SPASTIC PARAPLEGIA, AUTOSOMAL RECESSIVE, COMPLICATED, WITH THIN CORPUS CALLOSUM; SPASTIC PARAPLEGIA, AUTOSOMAL RECESSIVE, WITH MENTAL IMPAIRMENT AND THIN CORPUS CALLOSUM; Spastic Paraplegia 11. Identifiers: Orphanet 2822, MedGen C1858479, MONDO:0011445, OMIM 604360.

Submission:

Labcorp Genetics (formerly Invitae), Labcorp
Classification: Uncertain significance for Hereditary spastic paraplegia 11. Last evaluated: 2022-07-25. Review status: criteria provided, single submitter. Criteria: Invitae Variant Classification Sherloc (09022015). Collection method: clinical testing. Allele origin: germline.
Comment: This variant has not been reported in the literature in individuals affected with SPG11-related conditions. This sequence change replaces leucine, which is neutral and non-polar, with serine, which is neutral and polar, at codon 68 of the SPG11 protein (p.Leu68Ser). This variant is not present in population databases (gnomAD no frequency). Algorithms developed to predict the effect of missense changes on protein structure and function are either unavailable or do not agree on the potential impact of this missense change (SIFT: "Deleterious"; PolyPhen-2: "Probably Damaging"; Align-GVGD: "Class C0"). In summary, the available evidence is currently insufficient to determine the role of this variant in disease. Therefore, it has been classified as a Variant of Uncertain Significance.

NM_025137.4(SPG11):c.203T>C (p.Leu68Ser)

Gene: SPG11 (SPG11 vesicle trafficking associated, spatacsin; minus strand). Cytogenetic location: 15q21.1.
Variant type: single nucleotide variant.
Coding change: c.203T>C on transcript NM_025137.4 (MANE Select); coding-DNA position 203, T replaced by C.
Protein change: p.Leu68Ser; replaces leucine 68 with serine.
Molecular consequence: missense variant.
Genome position (GRCh38, 1-based): chr15:44,663,445, A>G on the plus strand (T>C on the coding strand, the complement: SPG11 is on the minus strand). VCF-style: chr15-44663445-A-G. GRCh37 (hg19) VCF-style: chr15-44955643-A-G.
Other names: c.203T>C, p.Leu68Ser (NM_001160227.2, NM_001411132.1); short protein forms L68S.
Identifiers: ClinVar variation 1713744 (VCV001713744.5), dbSNP rs2505793613, ClinGen allele CA392238584.